The following is an entry in ClinVar:

ClinVar aggregate classification (germline): Likely benign (1 of 4 stars; one submission).

Submission:

CeGaT Center for Human Genetics Tuebingen
Classification: Likely benign. Last evaluated: 2025-07-01. Review status: criteria provided, single submitter. Criteria: CeGaT Center For Human Genetics Tuebingen Variant Classification Criteria Version 2. Collection method: clinical testing. Allele origin: germline. Affected: yes. Observed: 1 variant allele.
Comment: TOE1: BP4, BP7

NM_025077.4(TOE1):c.711C>T (p.Ala237=)

Gene: TOE1 (target of EGR1, exonuclease; plus strand). Cytogenetic location: 1p34.1.
Variant type: single nucleotide variant.
Coding change: c.711C>T on transcript NM_025077.4 (MANE Select); coding-DNA position 711, C replaced by T.
Protein change: p.Ala237=; no amino-acid change (alanine 237 retained).
Molecular consequence: synonymous variant.
Genome position (GRCh38, 1-based): chr1:45,342,602, C>T. VCF-style: chr1-45342602-C-T. GRCh37 (hg19) VCF-style: chr1-45808274-C-T.
Identifiers: ClinVar variation 4085492 (VCV004085492.8).